The following is an entry in ClinVar:

ClinVar aggregate classification (germline): Uncertain significance (1 of 4 stars; one submission).

Conditions:
Developmental delay with or without dysmorphic facies and autism. Identifiers: MedGen C5193106, MONDO:0032760, OMIM 618454.

Submission:

Neuberg Centre For Genomic Medicine, NCGM
Classification: Uncertain significance for Developmental delay with or without dysmorphic facies and autism. Review status: criteria provided, single submitter. Criteria: ACMG Guidelines, 2015. Collection method: clinical testing. Allele origin: germline. Inheritance: Autosomal dominant inheritance. Affected: yes.
Comment: The missense variant c.3119C>T p.Pro1040Leu in the TRRAP gene has not been reported previously as a pathogenic variant nor as a benign variant, to our knowledge. This variant is absent in the gnomAD Exomes. The amino acid Pro at position 1040 is changed to a Leu changing protein sequence and it might alter its composition and physico-chemical properties. Multiple lines of computational evidence Polyphen - Damaging, SIFT - Damaging and MutationTaster - Disease causing predict a damaging effect on protein structure and function for this variant. The amino acid change p.Pro1040Leu in TRRAP is predicted as conserved by GERP++ and PhyloP across 100 vertebrates. For these reasons, this variant has been classified as Uncertain Significance.

NM_001375524.1(TRRAP):c.3119C>T (p.Pro1040Leu)

Gene: TRRAP (transformation/transcription domain associated protein; plus strand). Cytogenetic location: 7q22.1.
Variant type: single nucleotide variant.
Coding change: c.3119C>T on transcript NM_001375524.1 (MANE Select); coding-DNA position 3119, C replaced by T.
Protein change: p.Pro1040Leu; replaces proline 1040 with leucine.
Molecular consequence: missense variant.
Genome position (GRCh38, 1-based): chr7:98,927,310, C>T. VCF-style: chr7-98927310-C-T. GRCh37 (hg19) VCF-style: chr7-98524933-C-T.
Other names: c.3119C>T, p.Pro1040Leu (NM_001244580.2, NM_003496.4); short protein forms P1040L.
Identifiers: ClinVar variation 3391387 (VCV003391387.1).
Genomic context (GRCh38, chr7:98,927,310, plus strand): 5'-AGGCCCTGACAGGCGCCTTCATGTCTGCTGTCATTAAGGACCTGCGGCCCAGCGCCCTGC[C>T]CTTTGTCGCCAGCTTGATCCGCCACTATACGATGGTGGCAGTCGCCCAGCAGTGTGGTGA-3'
Protein context (NP_001362453.1, residues 1030-1050): VIKDLRPSAL[Pro1040Leu]FVASLIRHYT